The following is an entry in ClinVar:

NM_144596.4(TTC8):c.311G>A (p.Gly104Glu)

Gene: TTC8 (tetratricopeptide repeat domain 8; plus strand). Cytogenetic location: 14q31.3.
Variant type: single nucleotide variant.
Coding change: c.311G>A on transcript NM_144596.4 (MANE Select); coding-DNA position 311, G replaced by A.
Protein change: p.Gly104Glu; replaces glycine 104 with glutamic acid.
Molecular consequence: missense variant. On other transcripts: 5 prime UTR variant (2), non-coding transcript variant (1).
Genome position (GRCh38, 1-based): chr14:88,840,910, G>A. VCF-style: chr14-88840910-G-A. GRCh37 (hg19) VCF-style: chr14-89307254-G-A.
Other names: c.311G>A (NM_144596.3); c.281G>A, p.Gly94Glu (NM_001288781.1, NM_001366535.2, NM_001366536.2 and 2 more transcripts); c.-282G>A (NM_001288782.1); c.-377G>A (NM_001288783.1); short protein forms G104E, G94E.
Identifiers: ClinVar variation 2071400 (VCV002071400.5), dbSNP rs1476690534, ClinGen allele CA390573822.
Genomic context (GRCh38, chr14:88,840,910, plus strand): 5'-CATCTTGTCTCCTAGGCCCTGGAACGTCTTTGAAACTCCCTGGAACTAATCAGACAGGAG[G>A]GCCTAGCCAGGCCGTTAGGTATGTACTTCTGCTTCATAACCTCTGCCACTAAATATTGAT-3'
Protein context (NP_653197.2, residues 94-114): LKLPGTNQTG[Gly104Glu]PSQAVRPITQ

ClinVar aggregate classification (germline): Uncertain significance. Review status: criteria provided, multiple submitters, no conflicts (2 of 4 stars). 2 submissions from 2 submitters: Uncertain significance (2). Last evaluated 2026-02-25.

Conditions:
Bardet-Biedl syndrome (BBS). Identifiers: Orphanet 110, MedGen C0752166, MONDO:0015229.
TTC8-related disorder. Also called: TTC8-related condition.

Allele frequency attached by ClinVar (database versions not stated): gnomAD exomes below 0.00001.
gnomAD v4.1: 1 of 1,614,044 alleles (0.000062%); highest among the groups gnomAD compares: Admixed American, 0.0017%; no homozygotes.

Submissions (2):

PreventionGenetics, part of Exact Sciences
Classification: Uncertain significance for TTC8-related condition. Last evaluated: 2026-02-25. Review status: criteria provided, single submitter. Criteria: ACMG Guidelines, 2015. Collection method: clinical testing. Allele origin: germline.
Comment: The TTC8 c.311G>A variant is predicted to result in the amino acid substitution p.Gly104Glu. To our knowledge, this variant has not been reported in the literature. This variant is reported in 0.0029% of alleles in individuals of Latino descent in gnomAD. At this time, the clinical significance of this variant is uncertain due to the absence of conclusive functional and genetic evidence.

Labcorp Genetics (formerly Invitae), Labcorp
Classification: Uncertain significance for Bardet-Biedl syndrome. Last evaluated: 2022-04-09. Review status: criteria provided, single submitter. Criteria: Invitae Variant Classification Sherloc (09022015). Collection method: clinical testing. Allele origin: germline.
Comment: This sequence change replaces glycine, which is neutral and non-polar, with glutamic acid, which is acidic and polar, at codon 94 of the TTC8 protein (p.Gly94Glu). This variant is present in population databases (no rsID available, gnomAD 0.003%). This variant has not been reported in the literature in individuals affected with TTC8-related conditions. Algorithms developed to predict the effect of missense changes on protein structure and function are either unavailable or do not agree on the potential impact of this missense change (SIFT: "Deleterious"; PolyPhen-2: "Possibly Damaging"; Align-GVGD: "Class C0"). In summary, the available evidence is currently insufficient to determine the role of this variant in disease. Therefore, it has been classified as a Variant of Uncertain Significance.